The following is an entry in ClinVar:

NM_152564.5(VPS13B):c.921G>A (p.Met307Ile)

Gene: VPS13B (vacuolar protein sorting 13 homolog B; plus strand). Cytogenetic location: 8q22.2.
Variant type: single nucleotide variant.
Coding change: c.921G>A on transcript NM_152564.5 (MANE Select); coding-DNA position 921, G replaced by A.
Protein change: p.Met307Ile; replaces methionine 307 with isoleucine.
Molecular consequence: missense variant. On other transcripts: non-coding transcript variant (1).
Genome position (GRCh38, 1-based): chr8:99,115,858, G>A. VCF-style: chr8-99115858-G-A. GRCh37 (hg19) VCF-style: chr8-100128086-G-A.
Other names: c.921G>A, p.Met307Ile (NM_015243.3, NM_017890.5, NM_181661.3); c.921G>A (NM_152564.4); short protein forms M307I.
Identifiers: ClinVar variation 971373 (VCV000971373.18), dbSNP rs140709787, ClinGen allele CA4822499.

ClinVar aggregate classification (germline): Conflicting classifications of pathogenicity. Review status: criteria provided, conflicting classifications (1 of 4 stars). 7 submissions from 7 submitters: Uncertain significance (2); Benign (1); Likely benign (2). 2 of the submissions do not count toward it. Last evaluated 2026-01-22.

Conditions:
VPS13B-related disorder. Also called: VPS13B-related condition.
Inborn genetic diseases. Identifiers: MedGen C0950123, MeSH D030342.
Cohen syndrome (COH1). Also called: PEPPER SYNDROME; Cutis verticis gyrata, retinitis pigmentosa, and sensorineural deafness. Identifiers: Orphanet 193, MedGen C0265223, MONDO:0008999, OMIM 216550.

Allele frequency attached by ClinVar (database versions not stated): gnomAD exomes 0.00003 and 0.00012; 1000 Genomes Project 30x 0.00016; ExAC 0.00017; 1000 Genomes Project 0.00020; TOPMed 0.00036; ESP Exome Variant Server 0.00038; gnomAD 0.00038 and 0.00041.
gnomAD v4.1: 96 of 1,613,002 alleles (0.006%); highest among the groups gnomAD compares: African/African-American, 0.12%; no homozygotes.

Submissions (7):

Labcorp Genetics (formerly Invitae), Labcorp
Classification: Likely benign for Cohen syndrome. Last evaluated: 2026-01-22. Review status: criteria provided, single submitter. Criteria: Invitae Variant Classification Sherloc (09022015). Collection method: clinical testing. Allele origin: germline.

Ambry Genetics
Classification: Likely benign for Inborn genetic diseases. Last evaluated: 2024-06-11. Review status: criteria provided, single submitter. Criteria: Ambry Variant Classification Scheme 2023. Collection method: clinical testing. Allele origin: germline.

GeneDx
Classification: Uncertain significance. Last evaluated: 2022-12-08. Review status: criteria provided, single submitter. Criteria: GeneDx Variant Classification Process June 2021. Collection method: clinical testing. Allele origin: germline. Affected: yes.
Comment: Has not been previously published as pathogenic or benign to our knowledge; In silico analysis, which includes protein predictors and evolutionary conservation, supports that this variant does not alter protein structure/function

Blueprint Genetics
Classification: Benign. Last evaluated: 2022-07-25. Review status: criteria provided, single submitter. Criteria: ACMG Guidelines, 2015. Collection method: clinical testing. Allele origin: germline.

Fulgent Genetics
Classification: Uncertain significance for Cohen syndrome. Last evaluated: 2021-10-07. Review status: criteria provided, single submitter. Criteria: ACMG Guidelines, 2015. Collection method: clinical testing. Allele origin: unknown.

PreventionGenetics, part of Exact Sciences
Classification: Likely benign for VPS13B-related condition. Last evaluated: 2023-02-22. Review status: no assertion criteria provided. Collection method: clinical testing. Allele origin: germline. Not counted in ClinVar's aggregate classification.
Comment: This variant is classified as likely benign based on ACMG/AMP sequence variant interpretation guidelines (Richards et al. 2015 PMID: 25741868, with internal and published modifications).

Natera, Inc.
Classification: Uncertain significance for Cohen syndrome. Last evaluated: 2020-01-24. Review status: no assertion criteria provided. Collection method: clinical testing. Allele origin: germline. Not counted in ClinVar's aggregate classification.